The following is an entry in ClinVar:

NM_000397.4(CYBB):c.897+4C>G

Gene: CYBB (cytochrome b-245 beta chain; plus strand). Cytogenetic location: Xp11.4.
Variant type: single nucleotide variant.
Coding change: c.897+4C>G on transcript NM_000397.4 (MANE Select); 4 bases into the intron after coding-DNA position 897, C replaced by G.
Molecular consequence: intron variant.
Genome position (GRCh38, 1-based): chrX:37,801,352, C>G. VCF-style: chrX-37801352-C-G. GRCh37 (hg19) VCF-style: chrX-37660605-C-G.
Identifiers: ClinVar variation 3645252 (VCV003645252.2).
Genomic context (GRCh38, chrX:37,801,352, plus strand): 5'-CTCTGTGAGAGGTTGGTGCGGTTTTGGCGATCTCAACAGAAGGTGGTCATCACCAAGGTA[C>G]TGATTGGTTTAGTAATTACTAGTGGTCAGTGTCTAACTATATCATGGACAAGTCTTCCCA-3'

ClinVar aggregate classification (germline): Uncertain significance (1 of 4 stars; one submission).

Conditions:
Granulomatous disease, chronic, X-linked. Also called: CYTOCHROME b-NEGATIVE GRANULOMATOUS DISEASE, CHRONIC, X-LINKED; GRANULOMATOUS DISEASE, CHRONIC, X-LINKED, SOMATIC MOSAIC. Identifiers: Orphanet 379, MedGen C1844376, MONDO:0010600, OMIM 306400.

Submission:

Labcorp Genetics (formerly Invitae), Labcorp
Classification: Uncertain significance for Granulomatous disease, chronic, X-linked. Last evaluated: 2024-03-09. Review status: criteria provided, single submitter. Criteria: Invitae Variant Classification Sherloc (09022015). Collection method: clinical testing. Allele origin: germline.
Comment: This sequence change falls in intron 8 of the CYBB gene. It does not directly change the encoded amino acid sequence of the CYBB protein. It affects a nucleotide within the consensus splice site. This variant is not present in population databases (gnomAD no frequency). This variant has not been reported in the literature in individuals affected with CYBB-related conditions. Variants that disrupt the consensus splice site are a relatively common cause of aberrant splicing (PMID: 17576681, 9536098). Algorithms developed to predict the effect of sequence changes on RNA splicing suggest that this variant is not likely to affect RNA splicing. In summary, the available evidence is currently insufficient to determine the role of this variant in disease. Therefore, it has been classified as a Variant of Uncertain Significance.

Literature cited by the submitters: PubMed 17576681; PubMed 9536098.